The following is an entry in ClinVar:

ClinVar aggregate classification (germline): Uncertain significance (1 of 4 stars; one submission).

Conditions:
Hereditary cancer-predisposing syndrome. Also called: Neoplastic Syndromes, Hereditary; Tumor predisposition; Hereditary neoplastic syndrome; Hereditary Cancer Syndrome. Identifiers: Orphanet 140162, MedGen C0027672, MeSH D009386, MONDO:0015356.

Submission:

Ambry Genetics
Classification: Uncertain significance for Hereditary cancer-predisposing syndrome. Last evaluated: 2026-07-04. Review status: criteria provided, single submitter. Criteria: Ambry Variant Classification Scheme 2023. Collection method: clinical testing. Allele origin: germline.
Comment: The p.L1491V variant (also known as c.4471C>G), located in coding exon 10 of the BRCA2 gene, results from a C to G substitution at nucleotide position 4471. The leucine at codon 1491 is replaced by valine, an amino acid with highly similar properties. This amino acid position is conserved. In addition, this alteration is predicted to be tolerated by in silico analysis. Based on the available evidence, the clinical significance of this variant remains unclear.

NM_000059.4(BRCA2):c.4471C>G (p.Leu1491Val)

Gene: BRCA2 (BRCA2 DNA repair associated; plus strand). Cytogenetic location: 13q13.1.
Variant type: single nucleotide variant.
Coding change: c.4471C>G on transcript NM_000059.4 (MANE Select); coding-DNA position 4471, C replaced by G.
Protein change: p.Leu1491Val; replaces leucine 1491 with valine.
Molecular consequence: missense variant. On other transcripts: non-coding transcript variant (1), intron variant (2).
Genome position (GRCh38, 1-based): chr13:32,338,826, C>G. VCF-style: chr13-32338826-C-G. GRCh37 (hg19) VCF-style: chr13-32912963-C-G.
Other names: c.4471C>G, p.Leu1491Val (NM_001406719.1, NM_001406720.1, NM_001432077.1); c.1909+5439C>G (NM_001406721.1); c.425-5732C>G (NM_001406722.1); short protein forms L1491V.
Identifiers: ClinVar variation 5033263 (VCV005033263.1).